The following is an entry in ClinVar:

ClinVar aggregate classification (germline): Uncertain significance (1 of 4 stars; one submission).

Conditions:
Idiopathic generalized epilepsy. Also called: Generalised epilepsy; EIG. Identifiers: MedGen C0270850, MONDO:0005579, OMIM 600669.
Hyperaldosteronism, familial, type IV (HALD4). Also called: FH IV; ALDOSTERONISM, PRIMARY, AND HYPERTENSION. Identifiers: MONDO:0014875, OMIM 617027, Orphanet 642671, MedGen C4310756.

Allele frequency attached by ClinVar (database versions not stated): ExAC 0.00008.

Submission:

Labcorp Genetics (formerly Invitae), Labcorp
Classification: Uncertain significance for Idiopathic generalized epilepsy; Hyperaldosteronism, familial, type IV. Last evaluated: 2019-05-20. Review status: criteria provided, single submitter. Criteria: Invitae Variant Classification Sherloc (09022015). Collection method: clinical testing. Allele origin: germline.
Comment: This sequence change replaces glycine with serine at codon 1171 of the CACNA1H protein (p.Gly1171Ser). The glycine residue is highly conserved and there is a small physicochemical difference between glycine and serine. While this variant is present in population databases (rs753966852), the frequency information is unreliable, as metrics indicate poor data quality at this position in the ExAC database. This variant has not been reported in the literature in individuals with CACNA1H-related conditions. Algorithms developed to predict the effect of missense changes on protein structure and function (SIFT, PolyPhen-2, Align-GVGD) all suggest that this variant is likely to be disruptive, but these predictions have not been confirmed by published functional studies and their clinical significance is uncertain. In summary, the available evidence is currently insufficient to determine the role of this variant in disease. Therefore, it has been classified as a Variant of Uncertain Significance.

NM_021098.3(CACNA1H):c.3511G>A (p.Gly1171Ser)

Gene: CACNA1H (calcium voltage-gated channel subunit alpha1 H; plus strand). Cytogenetic location: 16p13.3.
Variant type: single nucleotide variant.
Coding change: c.3511G>A on transcript NM_021098.3 (MANE Select); coding-DNA position 3511, G replaced by A.
Protein change: p.Gly1171Ser; replaces glycine 1171 with serine.
Molecular consequence: missense variant.
Genome position (GRCh38, 1-based): chr16:1,209,179, G>A. VCF-style: chr16-1209179-G-A. GRCh37 (hg19) VCF-style: chr16-1259179-G-A.
Other names: c.3511G>A, p.Gly1171Ser (NM_001005407.2); short protein forms G1171S.
Identifiers: ClinVar variation 945386 (VCV000945386.9), dbSNP rs753966852, ClinGen allele CA7800785.